The following is an entry in ClinVar:

NM_002204.4(ITGA3):c.*32-2A>C

Gene: ITGA3 (integrin subunit alpha 3; plus strand). Cytogenetic location: 17q21.33.
Variant type: single nucleotide variant.
Coding change: c.*32-2A>C on transcript NM_002204.4 (MANE Select); the canonical splice acceptor site of the intron before 32 bases downstream of the stop codon, A replaced by C.
Molecular consequence: splice acceptor variant.
Genome position (GRCh38, 1-based): chr17:50,089,108, A>C. VCF-style: chr17-50089108-A-C. GRCh37 (hg19) VCF-style: chr17-48166472-A-C.
Identifiers: ClinVar variation 4883356 (VCV004883356.2).

ClinVar aggregate classification (germline): Uncertain significance (1 of 4 stars; one submission).

Conditions:
Epidermolysis bullosa, junctional 7, with interstitial lung disease and nephrotic syndrome. Also called: Interstitial lung disease, nephrotic syndrome, and epidermolysis bullosa, congenital; Interstitial Lung Disease with Nephrotic Syndrome and Epidermolysis Bullosa. Identifiers: Orphanet 306504, MedGen C4518785, MONDO:0013881, OMIM 614748.

gnomAD v4.1: 2 of 1,611,572 alleles (0.00012%); highest among the groups gnomAD compares: Admixed American, 0.0033%; no homozygotes.

Submission:

Dasa
Classification: Uncertain significance for Epidermolysis bullosa, junctional 7, with interstitial lung disease and nephrotic syndrome. Last evaluated: 2026-01-19. Review status: criteria provided, single submitter. Criteria: DASA Assertion Criteria. Collection method: clinical testing. Allele origin: germline.
Comment: NM_002204.4(ITGA3):c.*32-2A>C affects a canonical splice site and is predicted to disrupt normal RNA splicing. This variant is rare in population databases. The currently available literature and clinical evidence are not sufficient to establish a definitive association between this variant and the reported condition. Therefore, this variant is classified as a variant of uncertain significance.